The following is an entry in ClinVar:

NM_005591.4(MRE11):c.3G>T (p.Met1Ile)

Gene: MRE11 (MRE11 double strand break repair nuclease; minus strand). Cytogenetic location: 11q21.
Variant type: single nucleotide variant.
Coding change: c.3G>T on transcript NM_005591.4 (MANE Select); coding-DNA position 3, G replaced by T.
Protein change: p.Met1Ile; changes the start codon (methionine 1).
Molecular consequence: missense variant, initiator codon variant.
Genome position (GRCh38, 1-based): chr11:94,492,799, C>A on the plus strand (G>T on the coding strand, the complement: MRE11 is on the minus strand). VCF-style: chr11-94492799-C-A. GRCh37 (hg19) VCF-style: chr11-94225965-C-A.
Other names: c.3G>T, p.Met1Ile (NM_001330347.2, NM_005590.4); short protein forms M1I.
Identifiers: ClinVar variation 481764 (VCV000481764.6), dbSNP rs1555018818, ClinGen allele CA382381620.

ClinVar aggregate classification (germline): Likely pathogenic (1 of 4 stars; one submission).

Conditions:
Hereditary cancer-predisposing syndrome. Also called: Neoplastic Syndromes, Hereditary; Tumor predisposition; Hereditary Cancer Syndrome; Hereditary neoplastic syndrome. Identifiers: Orphanet 140162, MedGen C0027672, MeSH D009386, MONDO:0015356.

Submission:

Ambry Genetics
Classification: Likely pathogenic for Hereditary cancer-predisposing syndrome. Last evaluated: 2018-04-10. Review status: criteria provided, single submitter. Criteria: Ambry Variant Classification Scheme 2023. Collection method: clinical testing. Allele origin: germline.
Comment: The p.M1? variant (also known as c.3G>T) is located in coding exon 1 of the MRE11A gene and results from a G to T substitution at nucleotide position 3. This alters the methionine residue at the initiation codon. There is an in-frame methionine 25 amino acids downstream, which may act as an alternative initiation codon and result in an N-terminal truncation; however, direct evidence is unavailable. The N-terminus of this protein is known to be functionally/structurally important. Since sequence variations that modify the initiation codon (ATG) are expected to result in either loss of translation initiation, N-terminal truncation, or cause a shift in the mRNA reading frame, this alteration is interpreted as likely pathogenic.